The following is an entry in ClinVar:

ClinVar aggregate classification (germline): Uncertain significance. Review status: criteria provided, multiple submitters, no conflicts (2 of 4 stars). 3 submissions from 3 submitters: Uncertain significance (3). Last evaluated 2025-11-20.

Conditions:
Joubert syndrome. Also called: Familial aplasia of the vermis; JOUBERT-BOLTSHAUSER SYNDROME. Identifiers: Orphanet 475, MedGen C5979921, MONDO:0018772.

Allele frequency attached by ClinVar (database versions not stated): gnomAD 0.00001; gnomAD exomes 0.00001; TOPMed 0.00003.

Submissions (3):

GeneDx
Classification: Uncertain significance. Last evaluated: 2025-11-20. Review status: criteria provided, single submitter. Criteria: GeneDx Variant Classification Process June 2021. Collection method: clinical testing. Allele origin: germline.
Comment: Not observed at significant frequency in large population cohorts (gnomAD); In silico analysis suggests that this missense variant does not alter protein structure/function; Has not been previously published as pathogenic or benign to our knowledge; This variant is associated with the following publications: (PMID: 23386033)

CeGaT Center for Human Genetics Tuebingen
Classification: Uncertain significance. Last evaluated: 2025-06-01. Review status: criteria provided, single submitter. Criteria: CeGaT Center For Human Genetics Tuebingen Variant Classification Criteria Version 2. Collection method: clinical testing. Allele origin: germline. Affected: yes. Observed: 1 variant allele.
Comment: INPP5E: PM2, PP3

Labcorp Genetics (formerly Invitae), Labcorp
Classification: Uncertain significance for Joubert syndrome. Last evaluated: 2022-08-09. Review status: criteria provided, single submitter. Criteria: Invitae Variant Classification Sherloc (09022015). Collection method: clinical testing. Allele origin: germline.
Comment: This sequence change replaces glutamic acid, which is acidic and polar, with glycine, which is neutral and non-polar, at codon 12 of the INPP5E protein (p.Glu12Gly). The frequency data for this variant in the population databases is considered unreliable, as metrics indicate poor data quality at this position in the gnomAD database. This variant has not been reported in the literature in individuals affected with INPP5E-related conditions. ClinVar contains an entry for this variant (Variation ID: 858876). Advanced modeling of protein sequence and biophysical properties (such as structural, functional, and spatial information, amino acid conservation, physicochemical variation, residue mobility, and thermodynamic stability) performed at Invitae indicates that this missense variant is not expected to disrupt INPP5E protein function. In summary, the available evidence is currently insufficient to determine the role of this variant in disease. Therefore, it has been classified as a Variant of Uncertain Significance.

NM_019892.6(INPP5E):c.35A>G (p.Glu12Gly)

Gene: INPP5E (inositol polyphosphate-5-phosphatase E; minus strand). Cytogenetic location: 9q34.3.
Variant type: single nucleotide variant.
Coding change: c.35A>G on transcript NM_019892.6 (MANE Select); coding-DNA position 35, A replaced by G.
Protein change: p.Glu12Gly; replaces glutamic acid 12 with glycine.
Molecular consequence: missense variant.
Genome position (GRCh38, 1-based): chr9:136,439,385, T>C on the plus strand (A>G on the coding strand, the complement: INPP5E is on the minus strand). VCF-style: chr9-136439385-T-C. GRCh37 (hg19) VCF-style: chr9-139333837-T-C.
Other names: c.35A>G, p.Glu12Gly (NM_001318502.2); short protein forms E12G.
Identifiers: ClinVar variation 858876 (VCV000858876.17), dbSNP rs1029781765, ClinGen allele CA201649469.